The following is an entry in ClinVar:

ClinVar aggregate classification (germline): Benign (1 of 4 stars; one submission).

Conditions:
Autosomal dominant cerebellar ataxia. Also called: Spinocerebellar Ataxia, Dominant. Identifiers: Orphanet 99, MedGen C4087347, MONDO:0020380.

Allele frequency attached by ClinVar (database versions not stated): TOPMed 0.02442; 1000 Genomes Project 0.02576; 1000 Genomes Project 30x 0.02733; gnomAD 0.02738.

Submission:

Illumina Laboratory Services, Illumina
Classification: Benign for Spinocerebellar Ataxia, Dominant. Last evaluated: 2018-01-12. Review status: criteria provided, single submitter. Criteria: ICSL Variant Classification Criteria 13 December 2019. Collection method: clinical testing. Allele origin: germline.
Comment: This variant was observed in the ICSL laboratory as part of a predisposition screen in an ostensibly healthy population. It had not been previously curated by ICSL or reported in the Human Gene Mutation Database (HGMD: prior to June 1st, 2018), and was therefore a candidate for classification through an automated scoring system. Utilizing variant allele frequency, disease prevalence and penetrance estimates, and inheritance mode, an automated score was calculated to assess if this variant is too frequent to cause the disease. Based on the score and internal cut-off values, a variant classified as benign is not then subjected to further curation. The score for this variant resulted in a classification of benign for this disease.

NM_001378452.1(ITPR1):c.*1156A>C

Gene: ITPR1 (inositol 1,4,5-trisphosphate receptor type 1; plus strand). Cytogenetic location: 3p26.1.
Variant type: single nucleotide variant.
Coding change: c.*1156A>C on transcript NM_001378452.1 (MANE Select); 1156 bases downstream of the stop codon, A replaced by C.
Molecular consequence: 3 prime UTR variant.
Genome position (GRCh38, 1-based): chr3:4,847,381, A>C. VCF-style: chr3-4847381-A-C. GRCh37 (hg19) VCF-style: chr3-4889065-A-C.
Other names: c.*1156A>C (NM_001099952.4, NM_001168272.2, NM_002222.7).
Identifiers: ClinVar variation 345914 (VCV000345914.5), dbSNP rs73099961, ClinGen allele CA10616828.
Genomic context (GRCh38, chr3:4,847,381, plus strand): 5'-AAATATGAAAGGAAACTTTTATATCTGTTGCCTAGTTTTGTACATGGATCTCATTTTACA[A>C]GAGAATCTCTCTGCAAAAAAAAAAAAAACAGTTTAAAAATGCATTGAAAGCAGAGTTCTG-3'